The following is an entry in ClinVar:

NM_014625.4(NPHS2):c.122C>G (p.Ala41Gly)

Gene: NPHS2 (NPHS2 stomatin family member, podocin; minus strand). Cytogenetic location: 1q25.2.
Variant type: single nucleotide variant.
Coding change: c.122C>G on transcript NM_014625.4 (MANE Select); coding-DNA position 122, C replaced by G.
Protein change: p.Ala41Gly; replaces alanine 41 with glycine.
Molecular consequence: missense variant.
Genome position (GRCh38, 1-based): chr1:179,575,743, G>C on the plus strand (C>G on the coding strand, the complement: NPHS2 is on the minus strand). VCF-style: chr1-179575743-G-C. GRCh37 (hg19) VCF-style: chr1-179544878-G-C.
Other names: c.122C>G, p.Ala41Gly (NM_001297575.2); short protein forms A41G.
Identifiers: ClinVar variation 2069465 (VCV002069465.1), dbSNP rs762708477, ClinGen allele CA1267315.

ClinVar aggregate classification (germline): Uncertain significance (1 of 4 stars; one submission).

Allele frequency attached by ClinVar (database versions not stated): gnomAD 0.00002; gnomAD exomes 0.00003; TOPMed 0.00003; ExAC 0.00010.
gnomAD v4.1: 47 of 1,506,814 alleles (0.0031%); highest among the groups gnomAD compares: Non-Finnish European, 0.004%; no homozygotes.

Submission:

Labcorp Genetics (formerly Invitae), Labcorp
Classification: Uncertain significance. Last evaluated: 2021-09-02. Review status: criteria provided, single submitter. Criteria: Invitae Variant Classification Sherloc (09022015). Collection method: clinical testing. Allele origin: germline.
Comment: This sequence change replaces alanine with glycine at codon 41 of the NPHS2 protein (p.Ala41Gly). The alanine residue is weakly conserved and there is a small physicochemical difference between alanine and glycine. While this variant is present in population databases (rs762708477), the frequency information is unreliable, as metrics indicate poor data quality at this position in the ExAC database. This missense change has been observed in individual(s) with clinical features of the NPHS2-related conditions (PMID: 17699384). Advanced modeling of protein sequence and biophysical properties (such as structural, functional, and spatial information, amino acid conservation, physicochemical variation, residue mobility, and thermodynamic stability) performed at Invitae indicates that this missense variant is not expected to disrupt NPHS2 protein function. Algorithms developed to predict the effect of sequence changes on RNA splicing suggest that this variant may create or strengthen a splice site. In summary, the available evidence is currently insufficient to determine the role of this variant in disease. Therefore, it has been classified as a Variant of Uncertain Significance.

Literature cited by the submitters: PubMed 17699384.